The following is an entry in ClinVar:

ClinVar aggregate classification (germline): Conflicting classifications of pathogenicity. Review status: criteria provided, conflicting classifications (1 of 4 stars). 7 submissions from 7 submitters: Pathogenic (1); Likely pathogenic (1); Uncertain significance (4); Likely benign (1). Last evaluated 2026-08-21.

Conditions:
SLC22A12-related disorder. Also called: SLC22A12-related condition.
Dalmatian hypouricemia (RHUC1). Identifiers: MedGen C0473219, MONDO:0020728, OMIM 220150.

Allele frequency attached by ClinVar (database versions not stated): ESP Exome Variant Server 0.00008; gnomAD 0.00019 and 0.00039; ExAC 0.00139; TOPMed 0.00023; 1000 Genomes Project 30x 0.00141; 1000 Genomes Project 0.00180.
gnomAD v4.1: 854 of 1,604,644 alleles (0.053%); highest among the groups gnomAD compares: South Asian, 0.59%; 10 homozygotes.

Submissions (7):

PreventionGenetics, part of Exact Sciences
Classification: Pathogenic for SLC22A12-related condition. Last evaluated: 2026-08-21. Review status: criteria provided, single submitter. Criteria: ACMG Guidelines, 2015. Collection method: clinical testing. Allele origin: germline.
Comment: The SLC22A12 c.1400C>T variant is predicted to result in the amino acid substitution p.Thr467Met. This variant has been reported in the compound heterozygous and homozygous states in patients with renal hypouricemia (Stiburkova et al. 2013. PubMed ID: 23386035; Gabrikova et al. 2015. PubMed ID: 26033041). Functional studies of the p.Thr467Met variant showed significantly decreased urate uptake and a mislocalization of the URAT1 protein (Stiburkova et al. 2013. PubMed ID: 23386035). This variant is reported in 0.70% of alleles in individuals of South Asian descent in gnomAD. This variant is interpreted as pathogenic.

Genomic Medicine Center of Excellence, King Faisal Specialist Hospital and Research Centre
Classification: Uncertain significance for Dalmatian hypouricemia. Last evaluated: 2024-03-29. Review status: criteria provided, single submitter. Criteria: ACMG Guidelines, 2015. Collection method: clinical testing. Allele origin: germline.

Fulgent Genetics
Classification: Uncertain significance for Dalmatian hypouricemia. Last evaluated: 2024-02-09. Review status: criteria provided, single submitter. Criteria: ACMG Guidelines, 2015. Collection method: clinical testing. Allele origin: germline.

Labcorp Genetics (formerly Invitae), Labcorp
Classification: Uncertain significance. Last evaluated: 2022-10-28. Review status: criteria provided, single submitter. Criteria: Invitae Variant Classification Sherloc (09022015). Collection method: clinical testing. Allele origin: germline.
Comment: This sequence change replaces threonine, which is neutral and polar, with methionine, which is neutral and non-polar, at codon 467 of the SLC22A12 protein (p.Thr467Met). This variant is present in population databases (rs200104135, gnomAD 0.7%), and has an allele count higher than expected for a pathogenic variant. This missense change has been observed in individual(s) with renal hypouricemia (PMID: 29486147). It has also been observed to segregate with disease in related individuals. ClinVar contains an entry for this variant (Variation ID: 878888). Algorithms developed to predict the effect of missense changes on protein structure and function are either unavailable or do not agree on the potential impact of this missense change (SIFT: "Deleterious"; PolyPhen-2: "Probably Damaging"; Align-GVGD: "Class C15"). Experimental studies have shown that this missense change affects SLC22A12 function (PMID: 23386035, 30315176). In summary, the available evidence is currently insufficient to determine the role of this variant in disease. Therefore, it has been classified as a Variant of Uncertain Significance.

Dubai Health Genomic Medicine Center, Dubai Health
Classification: Likely benign for Dalmatian hypouricemia. Last evaluated: 2019-12-29. Review status: criteria provided, single submitter. Criteria: ACMG Guidelines, 2015. Collection method: clinical testing. Allele origin: germline. Affected: yes.

Illumina Laboratory Services, Illumina
Classification: Uncertain significance for Dalmatian hypouricemia. Last evaluated: 2017-04-27. Review status: criteria provided, single submitter. Criteria: ICSL Variant Classification Criteria 13 December 2019. Collection method: clinical testing. Allele origin: germline.
Comment: This variant was observed as part of a predisposition screen in an ostensibly healthy population. A literature search was performed for the gene, cDNA change, and amino acid change (where applicable). Publications were found based on this search. However, the evidence from the literature, in combination with allele frequency data from public databases where available, was not sufficient to rule this variant in or out of causing disease. Therefore, this variant is classified as a variant of unknown significance.

Clinical Genetics Service, Universitary Hospital 12 de Octubre
Classification: Likely pathogenic for Dalmatian hypouricemia. Review status: criteria provided, single submitter. Criteria: ACMG Guidelines, 2015. Collection method: clinical testing. Allele origin: germline. Affected: yes.

Literature cited by the submitters: PubMed 29486147 (cited by Labcorp Genetics (formerly Invitae), Labcorp); PubMed 23386035 (cited by Labcorp Genetics (formerly Invitae), Labcorp and Illumina Laboratory Services, Illumina); PubMed 30315176 (cited by Labcorp Genetics (formerly Invitae), Labcorp).

NM_144585.4(SLC22A12):c.1400C>T (p.Thr467Met)

Gene: SLC22A12 (solute carrier family 22 member 12; plus strand). Cytogenetic location: 11q13.1.
Variant type: single nucleotide variant.
Coding change: c.1400C>T on transcript NM_144585.4 (MANE Select); coding-DNA position 1400, C replaced by T.
Protein change: p.Thr467Met; replaces threonine 467 with methionine.
Molecular consequence: missense variant.
Genome position (GRCh38, 1-based): chr11:64,600,740, C>T. VCF-style: chr11-64600740-C-T. GRCh37 (hg19) VCF-style: chr11-64368212-C-T.
Other names: c.1298C>T, p.Thr433Met (NM_001276326.2); c.1076C>T, p.Thr359Met (NM_001276327.2); c.737C>T, p.Thr246Met (NM_153378.3); short protein forms T467M, T433M, T246M, T359M.
Identifiers: ClinVar variation 878888 (VCV000878888.17), dbSNP rs200104135, ClinGen allele CA6077447.